The following is an entry in ClinVar:

ClinVar aggregate classification (germline): Uncertain significance (1 of 4 stars; one submission).

Submission:

Labcorp Genetics (formerly Invitae), Labcorp
Classification: Uncertain significance. Last evaluated: 2025-01-12. Review status: criteria provided, single submitter. Criteria: Invitae Variant Classification Sherloc (09022015). Collection method: clinical testing. Allele origin: germline.
Comment: This sequence change replaces leucine, which is neutral and non-polar, with phenylalanine, which is neutral and non-polar, at codon 966 of the SCN3A protein (p.Leu966Phe). This variant is not present in population databases (gnomAD no frequency). This variant has not been reported in the literature in individuals affected with SCN3A-related conditions. Invitae Evidence Modeling of protein sequence and biophysical properties (such as structural, functional, and spatial information, amino acid conservation, physicochemical variation, residue mobility, and thermodynamic stability) has been performed for this missense variant. However, the output from this modeling did not meet the statistical confidence thresholds required to predict the impact of this variant on SCN3A protein function. In summary, the available evidence is currently insufficient to determine the role of this variant in disease. Therefore, it has been classified as a Variant of Uncertain Significance.

NM_006922.4(SCN3A):c.2898G>T (p.Leu966Phe)

Gene: SCN3A (sodium voltage-gated channel alpha subunit 3; minus strand). Cytogenetic location: 2q24.3.
Variant type: single nucleotide variant.
Coding change: c.2898G>T on transcript NM_006922.4 (MANE Select); coding-DNA position 2898, G replaced by T.
Protein change: p.Leu966Phe; replaces leucine 966 with phenylalanine.
Molecular consequence: missense variant.
Genome position (GRCh38, 1-based): chr2:165,129,964, C>A on the plus strand (G>T on the coding strand, the complement: SCN3A is on the minus strand). VCF-style: chr2-165129964-C-A. GRCh37 (hg19) VCF-style: chr2-165986474-C-A.
Other names: c.2751G>T, p.Leu917Phe (NM_001081676.2, NM_001081677.2); short protein forms L917F, L966F.
Identifiers: ClinVar variation 3718257 (VCV003718257.2).